The following is an entry in ClinVar:

NM_018124.4(RFWD3):c.103C>G (p.Leu35Val)

Gene: RFWD3 (ring finger and WD repeat domain 3; minus strand). Cytogenetic location: 16q23.1.
Variant type: single nucleotide variant.
Coding change: c.103C>G on transcript NM_018124.4 (MANE Select); coding-DNA position 103, C replaced by G.
Protein change: p.Leu35Val; replaces leucine 35 with valine.
Molecular consequence: missense variant. On other transcripts: 5 prime UTR variant (4), intron variant (1).
Genome position (GRCh38, 1-based): chr16:74,661,347, G>C on the plus strand (C>G on the coding strand, the complement: RFWD3 is on the minus strand). VCF-style: chr16-74661347-G-C. GRCh37 (hg19) VCF-style: chr16-74695245-G-C.
Other names: c.103C>G, p.Leu35Val (NM_001370534.1, NM_001370535.1, NM_001370536.1); c.-906C>G (NM_001370537.1); c.-529C>G (NM_001370539.1); c.-783C>G (NM_001370542.1); c.-661C>G (NM_001370543.1); c.-317+3277C>G (NM_001370540.1); short protein forms L35V.
Identifiers: ClinVar variation 3659039 (VCV003659039.2).

ClinVar aggregate classification (germline): Uncertain significance (1 of 4 stars; one submission).

gnomAD v4.1: 2 of 1,614,086 alleles (0.00012%); highest among the groups gnomAD compares: South Asian, 0.0022%; no homozygotes.

Submission:

Labcorp Genetics (formerly Invitae), Labcorp
Classification: Uncertain significance. Last evaluated: 2024-12-03. Review status: criteria provided, single submitter. Criteria: Invitae Variant Classification Sherloc (09022015). Collection method: clinical testing. Allele origin: germline.
Comment: This sequence change replaces leucine, which is neutral and non-polar, with valine, which is neutral and non-polar, at codon 35 of the RFWD3 protein (p.Leu35Val). This variant is present in population databases (rs770661821, gnomAD 0.003%). This variant has not been reported in the literature in individuals affected with RFWD3-related conditions. An algorithm developed to predict the effect of missense changes on protein structure and function outputs the following: PolyPhen-2: "Benign". The valine amino acid residue is found in multiple mammalian species, which suggests that this missense change does not adversely affect protein function. In summary, the available evidence is currently insufficient to determine the role of this variant in disease. Therefore, it has been classified as a Variant of Uncertain Significance.